The following is an entry in ClinVar:

ClinVar aggregate classification (germline): Uncertain significance (1 of 4 stars; one submission).

Conditions:
Noonan syndrome 5 (NS5). Also called: RAF1-Related Noonan Syndrome. Identifiers: Orphanet 648, MedGen C1969057, MONDO:0012690, OMIM 611553. Disease mechanism: gain of function.
LEOPARD syndrome 2 (LPRD2). Also called: RAF1-Related LEOPARD Syndrome. Identifiers: Orphanet 500, MedGen C1969056, MONDO:0012691, OMIM 611554.
Dilated cardiomyopathy 1NN. Identifiers: Orphanet 154, MedGen C4014656, MONDO:0014396, OMIM 615916.

Submission:

Juno Genomics, Hangzhou Juno Genomics, Inc
Classification: Uncertain significance for Dilated cardiomyopathy 1NN; LEOPARD syndrome 2; Noonan syndrome 5. Review status: criteria provided, single submitter. Criteria: ACMG Guidelines, 2015. Collection method: clinical testing. Allele origin: germline.
Comment: Absent from controls (or at extremely low frequency if recessive) in Genome Aggregation Database.;Multiple lines of computational evidence support a deleterious effect on the gene or gene product.

NM_002880.4(RAF1):c.1084A>G (p.Thr362Ala)

Gene: RAF1 (Raf-1 proto-oncogene, serine/threonine kinase; minus strand). Cytogenetic location: 3p25.2.
Variant type: single nucleotide variant.
Coding change: c.1084A>G on transcript NM_002880.4 (MANE Select); coding-DNA position 1084, A replaced by G.
Protein change: p.Thr362Ala; replaces threonine 362 with alanine.
Molecular consequence: missense variant. On other transcripts: non-coding transcript variant (3).
Genome position (GRCh38, 1-based): chr3:12,599,715, T>C on the plus strand (A>G on the coding strand, the complement: RAF1 is on the minus strand). VCF-style: chr3-12599715-T-C. GRCh37 (hg19) VCF-style: chr3-12641214-T-C.
Other names: c.1144A>G, p.Thr382Ala (NM_001354689.3); c.1084A>G, p.Thr362Ala (NM_001354690.3); c.841A>G, p.Thr281Ala (NM_001354691.3, NM_001354692.3); c.985A>G, p.Thr329Ala (NM_001354693.3); c.901A>G, p.Thr301Ala (NM_001354694.3); c.742A>G, p.Thr248Ala (NM_001354695.3); short protein forms T281A, T301A, T329A, T362A, T248A, T382A.
Identifiers: ClinVar variation 5006528 (VCV005006528.2).